The following is an entry in ClinVar:

ClinVar aggregate classification (germline): Uncertain significance (1 of 4 stars; one submission).

Conditions:
Charcot-Marie-Tooth disease type 2. Also called: Charcot-Marie-Tooth type 2. Identifiers: Orphanet 64746, MedGen C0270914, MONDO:0018993.

Allele frequency attached by ClinVar (database versions not stated): TOPMed below 0.00001.
gnomAD v4.1: 4 of 1,614,126 alleles (0.00025%); highest among the groups gnomAD compares: Non-Finnish European, 0.00034%; no homozygotes.

Submission:

Labcorp Genetics (formerly Invitae), Labcorp
Classification: Uncertain significance for Charcot-Marie-Tooth disease type 2. Last evaluated: 2020-03-19. Review status: criteria provided, single submitter. Criteria: Invitae Variant Classification Sherloc (09022015). Collection method: clinical testing. Allele origin: germline.
Comment: This sequence change replaces alanine with glutamic acid at codon 285 of the MED25 protein (p.Ala285Glu). The alanine residue is highly conserved and there is a moderate physicochemical difference between alanine and glutamic acid. This variant is not present in population databases (ExAC no frequency). This variant has not been reported in the literature in individuals with MED25-related conditions. Algorithms developed to predict the effect of missense changes on protein structure and function are either unavailable or do not agree on the potential impact of this missense change (SIFT: "Tolerated"; PolyPhen-2: "Probably Damaging"; Align-GVGD: "Class C0"). In summary, the available evidence is currently insufficient to determine the role of this variant in disease. Therefore, it has been classified as a Variant of Uncertain Significance.

NM_030973.4(MED25):c.854C>A (p.Ala285Glu)

Gene: MED25 (mediator complex subunit 25; plus strand). Cytogenetic location: 19q13.33.
Variant type: single nucleotide variant.
Coding change: c.854C>A on transcript NM_030973.4 (MANE Select); coding-DNA position 854, C replaced by A.
Protein change: p.Ala285Glu; replaces alanine 285 with glutamic acid.
Molecular consequence: missense variant.
Genome position (GRCh38, 1-based): chr19:49,830,545, C>A. VCF-style: chr19-49830545-C-A. GRCh37 (hg19) VCF-style: chr19-50333802-C-A.
Other names: c.854C>A, p.Ala285Glu (NM_001378355.1); short protein forms A285E.
Identifiers: ClinVar variation 1056429 (VCV001056429.9), dbSNP rs191366132, ClinGen allele CA406914491.